The following is an entry in ClinVar:

NM_133261.3(GIPC3):c.827C>T (p.Ala276Val)

Gene: GIPC3 (GIPC PDZ domain containing family member 3; plus strand). Cytogenetic location: 19p13.3.
Variant type: single nucleotide variant.
Coding change: c.827C>T on transcript NM_133261.3 (MANE Select); coding-DNA position 827, C replaced by T.
Protein change: p.Ala276Val; replaces alanine 276 with valine.
Molecular consequence: missense variant. On other transcripts: synonymous variant (1).
Genome position (GRCh38, 1-based): chr19:3,590,078, C>T. VCF-style: chr19-3590078-C-T. GRCh37 (hg19) VCF-style: chr19-3590076-C-T.
Other names: c.840C>T, p.Arg280= (NM_001411144.1); short protein forms A276V.
Identifiers: ClinVar variation 1993116 (VCV001993116.4), dbSNP rs746265287, ClinGen allele CA9080610.

ClinVar aggregate classification (germline): Uncertain significance (1 of 4 stars; one submission).

Allele frequency attached by ClinVar (database versions not stated): ExAC 0.00001.

Submission:

Labcorp Genetics (formerly Invitae), Labcorp
Classification: Uncertain significance. Last evaluated: 2022-07-27. Review status: criteria provided, single submitter. Criteria: Invitae Variant Classification Sherloc (09022015). Collection method: clinical testing. Allele origin: germline.
Comment: This variant has not been reported in the literature in individuals affected with GIPC3-related conditions. This variant is present in population databases (rs746265287, gnomAD 0.01%). This sequence change replaces alanine, which is neutral and non-polar, with valine, which is neutral and non-polar, at codon 276 of the GIPC3 protein (p.Ala276Val). In summary, the available evidence is currently insufficient to determine the role of this variant in disease. Therefore, it has been classified as a Variant of Uncertain Significance. Algorithms developed to predict the effect of missense changes on protein structure and function output the following: SIFT: "Tolerated"; PolyPhen-2: "Benign"; Align-GVGD: "Class C0". The valine amino acid residue is found in multiple mammalian species, which suggests that this missense change does not adversely affect protein function.